The following is an entry in ClinVar:

ClinVar aggregate classification (germline): Likely benign. Review status: criteria provided, multiple submitters, no conflicts (2 of 4 stars). 2 submissions from 2 submitters: Likely benign (2). Last evaluated 2026-01-17.

Allele frequency attached by ClinVar (database versions not stated): ExAC 0.00006; gnomAD exomes 0.00007; gnomAD 0.00021 and 0.00022; TOPMed 0.00025; 1000 Genomes Project 0.00060; 1000 Genomes Project 30x 0.00078.
gnomAD v4.1: 127 of 1,613,422 alleles (0.0079%); highest among the groups gnomAD compares: Admixed American, 0.048%; 1 homozygote.

Submissions (2):

Labcorp Genetics (formerly Invitae), Labcorp
Classification: Likely benign. Last evaluated: 2026-01-17. Review status: criteria provided, single submitter. Criteria: Invitae Variant Classification Sherloc (09022015). Collection method: clinical testing. Allele origin: germline.

CeGaT Center for Human Genetics Tuebingen
Classification: Likely benign. Last evaluated: 2024-05-01. Review status: criteria provided, single submitter. Criteria: CeGaT Center For Human Genetics Tuebingen Variant Classification Criteria Version 2. Collection method: clinical testing. Allele origin: germline. Affected: yes. Observed: 1 variant allele.
Comment: PACS2: BP4, BP7

NM_001100913.3(PACS2):c.543C>T (p.His181=)

Gene: PACS2 (phosphofurin acidic cluster sorting protein 2; plus strand). Cytogenetic location: 14q32.33.
Variant type: single nucleotide variant.
Coding change: c.543C>T on transcript NM_001100913.3 (MANE Select); coding-DNA position 543, C replaced by T.
Protein change: p.His181=; no amino-acid change (histidine 181 retained).
Molecular consequence: synonymous variant.
Genome position (GRCh38, 1-based): chr14:105,367,332, C>T. VCF-style: chr14-105367332-C-T. GRCh37 (hg19) VCF-style: chr14-105833669-C-T.
Other names: c.342C>T, p.His114= (NM_001243127.3); c.543C>T, p.His181= (NM_015197.4).
Identifiers: ClinVar variation 1640047 (VCV001640047.27), dbSNP rs201928191, ClinGen allele CA7388407.